The following is an entry in ClinVar:

ClinVar aggregate classification (germline): Uncertain significance (1 of 4 stars; one submission).

gnomAD v4.1: 1 of 1,553,520 alleles (0.000064%); highest among the groups gnomAD compares: Non-Finnish European, 0.000087%; no homozygotes.

Submission:

Labcorp Genetics (formerly Invitae), Labcorp
Classification: Uncertain significance. Last evaluated: 2024-11-23. Review status: criteria provided, single submitter. Criteria: Invitae Variant Classification Sherloc (09022015). Collection method: clinical testing. Allele origin: germline.
Comment: This sequence change replaces glutamic acid, which is acidic and polar, with glycine, which is neutral and non-polar, at codon 31 of the COL9A2 protein (p.Glu31Gly). This variant is not present in population databases (gnomAD no frequency). This variant has not been reported in the literature in individuals affected with COL9A2-related conditions. Invitae Evidence Modeling of protein sequence and biophysical properties (such as structural, functional, and spatial information, amino acid conservation, physicochemical variation, residue mobility, and thermodynamic stability) indicates that this missense variant is not expected to disrupt COL9A2 protein function with a negative predictive value of 95%. In summary, the available evidence is currently insufficient to determine the role of this variant in disease. Therefore, it has been classified as a Variant of Uncertain Significance.

NM_001852.4(COL9A2):c.92A>G (p.Glu31Gly)

Genes: COL9A2 (collagen type IX alpha 2 chain; minus strand), LOC129930261 (ATAC-STARR-seq lymphoblastoid silent region 724; plus strand). Cytogenetic location: 1p34.2.
Variant type: single nucleotide variant.
Coding change: c.92A>G on transcript NM_001852.4 (MANE Select); coding-DNA position 92, A replaced by G.
Protein change: p.Glu31Gly; replaces glutamic acid 31 with glycine.
Molecular consequence: missense variant.
Genome position (GRCh38, 1-based): chr1:40,315,648, T>C on the plus strand (A>G on the coding strand, the complement: COL9A2 is on the minus strand). VCF-style: chr1-40315648-T-C. GRCh37 (hg19) VCF-style: chr1-40781320-T-C.
Other names: short protein forms E31G.
Identifiers: ClinVar variation 3633546 (VCV003633546.2).